The following is an entry in ClinVar:

ClinVar aggregate classification (germline): Uncertain significance (1 of 4 stars; one submission).

Conditions:
Spermatogenic failure 18. Identifiers: MedGen C4539783, MONDO:0054615, OMIM 617576.
Ciliary dyskinesia, primary, 37 (CILD37). Also called: CILIARY DYSKINESIA, PRIMARY, 37, WITH OR WITHOUT SITUS INVERSUS. Identifiers: MedGen C4539798, MONDO:0033204, OMIM 617577.

Allele frequency attached by ClinVar (database versions not stated): ExAC 0.00002; gnomAD exomes 0.00002; gnomAD 0.00003 and 0.00005; TOPMed 0.00003.
gnomAD v4.1: 29 of 1,613,136 alleles (0.0018%); highest among the groups gnomAD compares: Non-Finnish European, 0.0023%; no homozygotes.

Submission:

Labcorp Genetics (formerly Invitae), Labcorp
Classification: Uncertain significance for Ciliary dyskinesia, primary, 37; Spermatogenic failure 18. Last evaluated: 2021-08-27. Review status: criteria provided, single submitter. Criteria: Invitae Variant Classification Sherloc (09022015). Collection method: clinical testing. Allele origin: germline.
Comment: This sequence change replaces glutamine with arginine at codon 745 of the DNAH1 protein (p.Gln745Arg). The glutamine residue is moderately conserved and there is a small physicochemical difference between glutamine and arginine. This variant is present in population databases (rs769851333, ExAC 0.005%). This variant has not been reported in the literature in individuals affected with DNAH1-related conditions. Algorithms developed to predict the effect of missense changes on protein structure and function (SIFT, PolyPhen-2, Align-GVGD) all suggest that this variant is likely to be tolerated. In summary, the available evidence is currently insufficient to determine the role of this variant in disease. Therefore, it has been classified as a Variant of Uncertain Significance.

NM_015512.5(DNAH1):c.2234A>G (p.Gln745Arg)

Gene: DNAH1 (dynein axonemal heavy chain 1; plus strand). Cytogenetic location: 3p21.1.
Variant type: single nucleotide variant.
Coding change: c.2234A>G on transcript NM_015512.5 (MANE Select); coding-DNA position 2234, A replaced by G.
Protein change: p.Gln745Arg; replaces glutamine 745 with arginine.
Molecular consequence: missense variant.
Genome position (GRCh38, 1-based): chr3:52,349,015, A>G. VCF-style: chr3-52349015-A-G. GRCh37 (hg19) VCF-style: chr3-52383031-A-G.
Other names: short protein forms Q745R.
Identifiers: ClinVar variation 478425 (VCV000478425.2), dbSNP rs769851333, ClinGen allele CA2433184.